The following is an entry in ClinVar:

ClinVar aggregate classification (germline): Uncertain significance. Review status: criteria provided, multiple submitters, no conflicts (2 of 4 stars). 2 submissions from 2 submitters: Uncertain significance (2). Last evaluated 2022-08-31.

Allele frequency attached by ClinVar (database versions not stated): TOPMed below 0.00001; ExAC 0.00001; gnomAD exomes 0.00001.
gnomAD v4.1: 2 of 1,598,660 alleles (0.00013%); highest among the groups gnomAD compares: Admixed American, 0.0017%; no homozygotes.

Submissions (2):

Labcorp Genetics (formerly Invitae), Labcorp
Classification: Uncertain significance. Last evaluated: 2022-08-31. Review status: criteria provided, single submitter. Criteria: Invitae Variant Classification Sherloc (09022015). Collection method: clinical testing. Allele origin: germline.
Comment: This sequence change replaces proline, which is neutral and non-polar, with serine, which is neutral and polar, at codon 30 of the CERKL protein (p.Pro30Ser). This variant is present in population databases (rs773891923, gnomAD 0.003%). This variant has not been reported in the literature in individuals affected with CERKL-related conditions. ClinVar contains an entry for this variant (Variation ID: 1386689). Algorithms developed to predict the effect of missense changes on protein structure and function output the following: SIFT: "Tolerated"; PolyPhen-2: "Benign"; Align-GVGD: "Class C0". The serine amino acid residue is found in multiple mammalian species, which suggests that this missense change does not adversely affect protein function. In summary, the available evidence is currently insufficient to determine the role of this variant in disease. Therefore, it has been classified as a Variant of Uncertain Significance.

Blueprint Genetics
Classification: Uncertain significance. Last evaluated: 2022-02-08. Review status: criteria provided, single submitter. Criteria: ACMG Guidelines, 2015. Collection method: clinical testing. Allele origin: germline.

NM_201548.5(CERKL):c.88C>T (p.Pro30Ser)

Gene: CERKL (CERK like autophagy regulator; minus strand). Cytogenetic location: 2q31.3.
Variant type: single nucleotide variant.
Coding change: c.88C>T on transcript NM_201548.5 (MANE Select); coding-DNA position 88, C replaced by T.
Protein change: p.Pro30Ser; replaces proline 30 with serine.
Molecular consequence: missense variant. On other transcripts: non-coding transcript variant (2).
Genome position (GRCh38, 1-based): chr2:181,656,919, G>A on the plus strand (C>T on the coding strand, the complement: CERKL is on the minus strand). VCF-style: chr2-181656919-G-A. GRCh37 (hg19) VCF-style: chr2-182521646-G-A.
Other names: c.88C>T, p.Pro30Ser (NM_001030311.3, NM_001030312.3, NM_001030313.3 and 1 more transcripts); short protein forms P30S.
Identifiers: ClinVar variation 1386689 (VCV001386689.6), dbSNP rs773891923, ClinGen allele CA2010957.